The following is an entry in ClinVar:

ClinVar aggregate classification (germline): Pathogenic. Review status: criteria provided, single submitter (1 of 4 stars). 3 submissions from 3 submitters: Pathogenic (1). 2 of the submissions do not count toward it. Last evaluated 2022-01-01.

Conditions:
Charlevoix-Saguenay spastic ataxia (SACS). Also called: AUTOSOMAL RECESSIVE SPASTIC ATAXIA OF CHARLEVOIX-SAGUENAY; Spastic ataxia of Charlevoix-Saguenay; SPASTIC ATAXIA 6, AUTOSOMAL RECESSIVE. Identifiers: Orphanet 98, MedGen C1849140, MONDO:0010041, OMIM 270550.

Submissions (3):

PROSPAX: an integrated multimodal progression  chart in spastic ataxias, Center for Neurology; Hertie-Institute for Clinical Brain Research
Classification: Pathogenic for Charlevoix-Saguenay spastic ataxia. Last evaluated: 2022-01-01. Review status: criteria provided, single submitter. Criteria: ACMG Guidelines, 2015. Collection method: research. Allele origin: germline. Affected: yes.
Comment: Variant seen in compound het: [c.5125C>T;c.1925del]

Clinical Genetics DNA and cytogenetics Diagnostics Lab, Erasmus MC, Erasmus Medical Center
Classification: Pathogenic. Review status: no assertion criteria provided. Collection method: clinical testing. Allele origin: germline. Affected: yes. Study: VKGL Data-share Consensus. Not counted in ClinVar's aggregate classification.

Joint Genome Diagnostic Labs from Nijmegen and Maastricht, Radboudumc and MUMC+
Classification: Pathogenic. Review status: no assertion criteria provided. Collection method: clinical testing. Allele origin: germline. Affected: yes. Study: VKGL Data-share Consensus. Not counted in ClinVar's aggregate classification.

NM_014363.6(SACS):c.1925del (p.Gly642fs)

Gene: SACS (sacsin molecular chaperone; minus strand). Cytogenetic location: 13q12.12.
Variant type: Deletion.
Coding change: c.1925del on transcript NM_014363.6 (MANE Select); coding-DNA position 1925, one base deleted (G; older notation c.1925delG).
Protein change: p.Gly642fs; shifts the reading frame from glycine 642.
Molecular consequence: frameshift variant.
Genome position (GRCh38, 1-based): chr13:23,354,687, C deleted on the plus strand (G on the coding strand, the reverse complement: SACS is on the minus strand); the first of 3 consecutive C bases (chr13:23,354,687-23,354,689); deleting any one gives the same sequence. VCF-style (leftmost placement, unchanged base first): chr13-23354686-GC-G. GRCh37 (hg19) VCF-style: chr13-23928825-GC-G.
Other names: c.1484del, p.Gly495fs (NM_001278055.2); c.1925del (NM_014363.5); short protein forms G495fs, G642fs.
Identifiers: ClinVar variation 1297504 (VCV001297504.4), dbSNP rs2137717323, ClinGen allele CA2499221987.